The following is an entry in ClinVar:

ClinVar aggregate classification (germline): Conflicting classifications of pathogenicity. Review status: criteria provided, conflicting classifications (1 of 4 stars). 5 submissions from 5 submitters: Uncertain significance (4); Likely benign (1). Last evaluated 2026-02-01.

Conditions:
Alport syndrome 3b, autosomal recessive. Identifiers: MedGen C5882699, MONDO:0957811, OMIM 620536.
Autosomal dominant Alport syndrome (ATS3A). Also called: ALPORT SYNDROME 3A, AUTOSOMAL DOMINANT; Alport syndrome dominant type; Renal failure and sensorineural hearing loss. Identifiers: Orphanet 63, Orphanet 88918, MedGen C5882663, MONDO:0007086, OMIM 104200.
Hematuria, benign familial, 2 (BFH2). Identifiers: MedGen C5830421, MONDO:0958186, OMIM 620320.
Inborn genetic diseases. Identifiers: MedGen C0950123, MeSH D030342.
Alport syndrome. Also called: Hemorrhagic familial nephritis; Hemorrhagic hereditary nephritis; Congenital hereditary hematuria. Identifiers: Orphanet 63, MedGen C1567741, MONDO:0018965.

Allele frequency attached by ClinVar (database versions not stated): ESP Exome Variant Server 0.00008; gnomAD exomes 0.00010; TOPMed 0.00014; ExAC 0.00017.
gnomAD v4.1: 267 of 1,612,452 alleles (0.017%); highest among the groups gnomAD compares: Non-Finnish European, 0.019%; 1 homozygote.

Submissions (5):

Labcorp Genetics (formerly Invitae), Labcorp
Classification: Likely benign. Last evaluated: 2026-02-01. Review status: criteria provided, single submitter. Criteria: Invitae Variant Classification Sherloc (09022015). Collection method: clinical testing. Allele origin: germline.

GeneDx
Classification: Uncertain significance. Last evaluated: 2025-10-28. Review status: criteria provided, single submitter. Criteria: GeneDx Variant Classification Process June 2021. Collection method: clinical testing. Allele origin: germline. Affected: yes.
Comment: In silico analysis suggests that this missense variant does not alter protein structure/function; Occurs in the triple helical domain at the Y position in the canonical Gly-X-Y repeat; although this variant may have an effect on normal protein folding and function, missense substitution at the Y position is not a common mechanism of disease; Has not been previously published as pathogenic or benign to our knowledge

Fulgent Genetics
Classification: Uncertain significance for Autosomal dominant Alport syndrome; Hematuria, benign familial, 2; Alport syndrome 3b, autosomal recessive. Last evaluated: 2023-12-27. Review status: criteria provided, single submitter. Criteria: ACMG Guidelines, 2015. Collection method: clinical testing. Allele origin: germline.

Ambry Genetics
Classification: Uncertain significance for Inborn genetic diseases. Last evaluated: 2021-12-03. Review status: criteria provided, single submitter. Criteria: Ambry Variant Classification Scheme 2023. Collection method: clinical testing. Allele origin: germline.

Illumina Laboratory Services, Illumina
Classification: Uncertain significance for Alport syndrome. Last evaluated: 2018-01-13. Review status: criteria provided, single submitter. Criteria: ICSL Variant Classification Criteria 13 December 2019. Collection method: clinical testing. Allele origin: germline.

NM_000091.5(COL4A3):c.2887G>A (p.Ala963Thr)

Genes: COL4A3 (collagen type IV alpha 3 chain; plus strand), MFF-DT (MFF divergent transcript; minus strand). Cytogenetic location: 2q36.3.
Variant type: single nucleotide variant.
Coding change: c.2887G>A on transcript NM_000091.5 (MANE Select); coding-DNA position 2887, G replaced by A.
Protein change: p.Ala963Thr; replaces alanine 963 with threonine.
Molecular consequence: missense variant.
Genome position (GRCh38, 1-based): chr2:227,289,155, G>A. VCF-style: chr2-227289155-G-A. GRCh37 (hg19) VCF-style: chr2-228153871-G-A.
Other names: short protein forms A963T.
Identifiers: ClinVar variation 894886 (VCV000894886.17), dbSNP rs200801946, ClinGen allele CA2147057.
Genomic context (GRCh38, chr2:227,289,155, plus strand): 5'-CACCTGCCACCACACCTGGCTAATTTTCTTGTTAATACCTGGTTTCTAACTTCAGGATTC[G>A]CAGGAAATCCAGGTGAGAAAGGAAACAGAGGCGTTCCAGGGATGCCAGGTTTAAAGGGCC-3'
Protein context (NP_000082.2, residues 953-973): DKGEPGLKGF[Ala963Thr]GNPGEKGNRG